The following is an entry in ClinVar:

ClinVar aggregate classification (germline): Likely benign. Review status: criteria provided, multiple submitters, no conflicts (2 of 4 stars). 2 submissions from 2 submitters: Likely benign (2). Last evaluated 2025-08-18.

Conditions:
Neuronal ceroid lipofuscinosis 1 (CLN1). Also called: CEROID LIPOFUSCINOSIS, NEURONAL, 1, VARIABLE AGE AT ONSET; PPT1-Related Neuronal Ceroid-Lipofuscinosis. Identifiers: Orphanet 228329, MedGen C1850451, MONDO:0009744, OMIM 256730.

Allele frequency attached by ClinVar (database versions not stated): TOPMed below 0.00001; gnomAD 0.00001; ExAC 0.00002.

Submissions (2):

Labcorp Genetics (formerly Invitae), Labcorp
Classification: Likely benign for Neuronal ceroid lipofuscinosis 1. Last evaluated: 2025-08-18. Review status: criteria provided, single submitter. Criteria: Invitae Variant Classification Sherloc (09022015). Collection method: clinical testing. Allele origin: germline.

GeneDx
Classification: Likely benign. Last evaluated: 2018-03-21. Review status: criteria provided, single submitter. Criteria: GeneDx Variant Classification (06012015). Collection method: clinical testing. Allele origin: germline. Affected: yes.
Comment: This variant is considered likely benign or benign based on one or more of the following criteria: it is a conservative change, it occurs at a poorly conserved position in the protein, it is predicted to be benign by multiple in silico algorithms, and/or has population frequency not consistent with disease.

NM_000310.4(PPT1):c.639G>A (p.Glu213=)

Gene: PPT1 (palmitoyl-protein thioesterase 1; minus strand). Cytogenetic location: 1p34.2.
Variant type: single nucleotide variant.
Coding change: c.639G>A on transcript NM_000310.4 (MANE Select); coding-DNA position 639, G replaced by A.
Protein change: p.Glu213=; no amino-acid change (glutamic acid 213 retained).
Molecular consequence: synonymous variant.
Genome position (GRCh38, 1-based): chr1:40,078,647, C>T on the plus strand (G>A on the coding strand, the complement: PPT1 is on the minus strand). VCF-style: chr1-40078647-C-T. GRCh37 (hg19) VCF-style: chr1-40544319-C-T.
Other names: c.330G>A, p.Glu110= (NM_001142604.2); c.639G>A, p.Glu213= (NM_001363695.2).
Identifiers: ClinVar variation 681079 (VCV000681079.9), dbSNP rs751303272, ClinGen allele CA789594.